The following is an entry in ClinVar:

ClinVar aggregate classification (germline): Pathogenic. Review status: criteria provided, multiple submitters, no conflicts (2 of 4 stars). 2 submissions from 2 submitters: Pathogenic (2). Last evaluated 2026-04-03.

Conditions:
Maturity-onset diabetes of the young (MODY). Also called: Maturity onset diabetes mellitus in young. Identifiers: Orphanet 552, MedGen C0342276, MONDO:0018911, HP:0004904.

Submissions (2):

Women's Health and Genetics/Laboratory Corporation of America, LabCorp
Classification: Pathogenic for Maturity-onset diabetes of the young. Last evaluated: 2026-04-03. Review status: criteria provided, single submitter. Criteria: LabCorp Variant Classification Summary - May 2015. Collection method: clinical testing. Allele origin: germline.
Comment: Variant summary: HNF4A c.498dupT (p.Glu167X) results in a premature termination codon, predicted to cause a truncation of the encoded protein or absence of the protein due to nonsense mediated decay, which are commonly known mechanisms for disease. The variant was absent in 251414 control chromosomes. To our knowledge, no occurrence of c.498dupT in individuals affected with HNF4A-related conditions and no experimental evidence demonstrating its impact on protein function have been reported. ClinVar contains an entry for this variant (Variation ID: 3726509). Based on the evidence outlined above, the variant was classified as pathogenic.

Labcorp Genetics (formerly Invitae), Labcorp
Classification: Pathogenic. Last evaluated: 2024-12-03. Review status: criteria provided, single submitter. Criteria: Invitae Variant Classification Sherloc (09022015). Collection method: clinical testing. Allele origin: germline.
Comment: This sequence change creates a premature translational stop signal (p.Glu167*) in the HNF4A gene. It is expected to result in an absent or disrupted protein product. Loss-of-function variants in HNF4A are known to be pathogenic (PMID: 20164212, 23275527, 23348805, 24097065). This variant is not present in population databases (gnomAD no frequency). This variant has not been reported in the literature in individuals affected with HNF4A-related conditions. For these reasons, this variant has been classified as Pathogenic.

Literature cited by the submitters: PubMed 20164212 (cited by Labcorp Genetics (formerly Invitae), Labcorp); PubMed 23275527 (cited by Labcorp Genetics (formerly Invitae), Labcorp); PubMed 23348805 (cited by Labcorp Genetics (formerly Invitae), Labcorp); PubMed 24097065 (cited by Labcorp Genetics (formerly Invitae), Labcorp).

NM_175914.5(HNF4A):c.498dup (p.Glu167Ter)

Gene: HNF4A (hepatocyte nuclear factor 4 alpha; plus strand). Cytogenetic location: 20q13.12.
Variant type: Duplication.
Coding change: c.498dup on transcript NM_175914.5 (MANE Select); coding-DNA position 498, one base duplicated (T; older notation c.498dupT).
Protein change: p.Glu167Ter; replaces glutamic acid 167 with a stop codon.
Molecular consequence: nonsense.
Genome position (GRCh38, 1-based): chr20:44,414,578, T duplicated. VCF-style (leftmost placement, unchanged base first): chr20-44414577-G-GT. GRCh37 (hg19) VCF-style: chr20-43043217-G-GT.
Other names: c.498dupT (NM_175914.5); c.564dup, p.Glu189Ter (NM_000457.6, NM_178849.3, NM_178850.3); c.498dup, p.Glu167Ter (NM_001030003.3, NM_001030004.3); c.543dup, p.Glu182Ter (NM_001258355.2); c.489dup, p.Glu164Ter (NM_001287182.2, NM_001287183.2, NM_001287184.2); short protein forms E164*, E167*, E182*, E189*.
Identifiers: ClinVar variation 3726509 (VCV003726509.3).